The following is an entry in ClinVar:

NM_001367721.1(CASK):c.761G>A (p.Arg254His)

Gene: CASK (calcium/calmodulin dependent serine protein kinase; minus strand). Cytogenetic location: Xp11.4.
Variant type: single nucleotide variant.
Coding change: c.761G>A on transcript NM_001367721.1 (MANE Select); coding-DNA position 761, G replaced by A.
Protein change: p.Arg254His; replaces arginine 254 with histidine.
Molecular consequence: missense variant.
Genome position (GRCh38, 1-based): chrX:41,660,509, C>T on the plus strand (G>A on the coding strand, the complement: CASK is on the minus strand). VCF-style: chrX-41660509-C-T. GRCh37 (hg19) VCF-style: chrX-41519762-C-T.
Other names: c.761G>A, p.Arg254His (NM_001126054.3, NM_001126055.3, NM_001410745.1 and 1 more transcripts); short protein forms R254H.
Identifiers: ClinVar variation 587634 (VCV000587634.18), dbSNP rs1569376084, ClinGen allele CA412996624.
Genomic context (GRCh38, chrX:41,660,509, plus strand): 5'-GGGTGATTCAGTGCTTCATAAACAGTGATCCTTTCAGCTGGATCCAGCATCAGCATGCGA[C>T]GTACTAGGTCTTTGGCACTTTCAGAGATATGGCTCCACTGCCTTGGATTCATCTGAGGAG-3'
Protein context (NP_001354650.1, residues 244-264): HISESAKDLV[Arg254His]RMLMLDPAER

ClinVar aggregate classification (germline): Conflicting classifications of pathogenicity. Review status: criteria provided, conflicting classifications (1 of 4 stars). 3 submissions from 3 submitters: Uncertain significance (2); Benign (1). Last evaluated 2025-12-21.

Conditions:
Intellectual disability, CASK-related, X-linked. Identifiers: MedGen CN043158.
FG syndrome 4 (FGS4). Identifiers: MedGen C1845546, MONDO:0010318, OMIM 300422.

Allele frequency attached by ClinVar (database versions not stated): gnomAD exomes below 0.00001.
gnomAD v4.1: 3 of 1,207,137 alleles (0.00025%); highest among the groups gnomAD compares: Non-Finnish European, 0.00034%; no homozygotes.

Submissions (3):

Labcorp Genetics (formerly Invitae), Labcorp
Classification: Uncertain significance for Intellectual disability, CASK-related, X-linked. Last evaluated: 2025-12-21. Review status: criteria provided, single submitter. Criteria: Invitae Variant Classification Sherloc (09022015). Collection method: clinical testing. Allele origin: germline.
Comment: This sequence change replaces arginine, which is basic and polar, with histidine, which is basic and polar, at codon 254 of the CASK protein (p.Arg254His). This variant is not present in population databases (gnomAD no frequency). This variant has not been reported in the literature in individuals affected with CASK-related conditions. ClinVar contains an entry for this variant (Variation ID: 587634). Invitae Evidence Modeling of protein sequence and biophysical properties (such as structural, functional, and spatial information, amino acid conservation, physicochemical variation, residue mobility, and thermodynamic stability) indicates that this missense variant is not expected to disrupt CASK protein function with a negative predictive value of 80%. In summary, the available evidence is currently insufficient to determine the role of this variant in disease. Therefore, it has been classified as a Variant of Uncertain Significance.

Institute of Human Genetics, University of Leipzig Medical Center
Classification: Benign for FG syndrome 4. Last evaluated: 2025-11-03. Review status: criteria provided, single submitter. Criteria: ACMG Guidelines, 2015. Collection method: clinical testing. Allele origin: maternal. Inheritance: X-linked dominant inheritance. Affected: no.
Comment: Criteria applied: PM1,PP2,BS2,BS4

Genomic Research Center, Shahid Beheshti University of Medical Sciences
Classification: Uncertain significance. Last evaluated: 2018-08-07. Review status: criteria provided, single submitter. Criteria: ACMG Guidelines, 2015. Collection method: clinical testing. Allele origin: inherited. Affected: no. Observed: 1 variant allele.